The following is an entry in ClinVar:

NM_001371986.1(UNC80):c.9765_9766dup (p.Ala3256fs)

Gene: UNC80 (unc-80 subunit of NALCN channel complex; plus strand). Cytogenetic location: 2q34.
Variant type: Duplication.
Coding change: c.9765_9766dup on transcript NM_001371986.1 (MANE Select); coding-DNA positions 9765 to 9766, 2 bases duplicated (TG; older notation c.9765_9766dupTG).
Protein change: p.Ala3256fs; shifts the reading frame from alanine 3256.
Molecular consequence: frameshift variant.
Genome position (GRCh38, 1-based): chr2:209,995,385-209,995,386, TG duplicated; duplicating any 2 consecutive bases within chr2:209,995,384-209,995,386 gives the same sequence; the c. name uses the placement nearest the transcript's 3' end. VCF-style (leftmost placement, unchanged base first): chr2-209995383-G-GGT. GRCh37 (hg19) VCF-style: chr2-210860107-G-GGT.
Other names: c.9567_9568dup, p.Ala3190fs (NM_032504.2); c.9495_9496dup, p.Ala3166fs (NM_182587.4); short protein forms A3166fs, A3190fs, A3256fs.
Identifiers: ClinVar variation 2090633 (VCV002090633.4), dbSNP rs2471270342, ClinGen allele CA2580065518.

ClinVar aggregate classification (germline): Uncertain significance (1 of 4 stars; one submission).

Submission:

Labcorp Genetics (formerly Invitae), Labcorp
Classification: Uncertain significance. Last evaluated: 2024-02-24. Review status: criteria provided, single submitter. Criteria: Invitae Variant Classification Sherloc (09022015). Collection method: clinical testing. Allele origin: germline.
Comment: This sequence change creates a premature translational stop signal (p.Ala3190Valfs*65) in the UNC80 gene. While this is not anticipated to result in nonsense mediated decay, it is expected to disrupt the last 69 amino acid(s) of the UNC80 protein. This variant is not present in population databases (gnomAD no frequency). This variant has not been reported in the literature in individuals affected with UNC80-related conditions. ClinVar contains an entry for this variant (Variation ID: 2090633). Algorithms developed to predict the effect of sequence changes on RNA splicing suggest that this variant may create or strengthen a splice site. In summary, the available evidence is currently insufficient to determine the role of this variant in disease. Therefore, it has been classified as a Variant of Uncertain Significance.